The following is an entry in ClinVar:

NM_004320.6(ATP2A1):c.324+1G>A

Gene: ATP2A1 (ATPase sarcoplasmic/endoplasmic reticulum Ca2+ transporting 1; plus strand). Cytogenetic location: 16p11.2.
Variant type: single nucleotide variant.
Coding change: c.324+1G>A on transcript NM_004320.6 (MANE Select); the canonical splice donor site of the intron after coding-DNA position 324, G replaced by A.
Molecular consequence: splice donor variant.
Genome position (GRCh38, 1-based): chr16:28,881,020, G>A. VCF-style: chr16-28881020-G-A. GRCh37 (hg19) VCF-style: chr16-28892341-G-A.
Other names: c.324+1G>A (NM_173201.5, NM_173201.4); c.-52+1G>A (NM_001286075.2).
Identifiers: ClinVar variation 1323958 (VCV001323958.7), dbSNP rs1963456518, ClinGen allele CA395400765.

ClinVar aggregate classification (germline): Pathogenic/Likely pathogenic. Review status: criteria provided, multiple submitters, no conflicts (2 of 4 stars). 4 submissions from 4 submitters: Pathogenic (2); Likely pathogenic (2). Last evaluated 2026-03-26.

Conditions:
Brody myopathy. Also called: BRODY DISEASE. Identifiers: Orphanet 53347, MedGen C1832918, MONDO:0010977, OMIM 601003.

Allele frequency attached by ClinVar (database versions not stated): gnomAD exomes below 0.00001.
gnomAD v4.1: 1 of 1,613,738 alleles (0.000062%); highest among the groups gnomAD compares: Non-Finnish European, 0.000085%; no homozygotes.

Submissions (4):

GeneDx
Classification: Likely pathogenic. Last evaluated: 2026-03-26. Review status: criteria provided, single submitter. Criteria: GeneDx Variant Classification Process June 2021. Collection method: clinical testing. Allele origin: germline.
Comment: Not observed at significant frequency in large population cohorts (gnomAD); Canonical splice site variant predicted to result in an in-frame loss of the adjacent exon in a gene for which loss of function is a known mechanism of disease; This variant is associated with the following publications: (PMID: 37332993)

Labcorp Genetics (formerly Invitae), Labcorp
Classification: Pathogenic for Brody myopathy. Last evaluated: 2025-11-09. Review status: criteria provided, single submitter. Criteria: Invitae Variant Classification Sherloc (09022015). Collection method: clinical testing. Allele origin: germline.
Comment: This sequence change affects a donor splice site in intron 4 of the ATP2A1 gene. It is expected to disrupt RNA splicing. Variants that disrupt the donor or acceptor splice site typically lead to a loss of protein function (PMID: 16199547), and loss-of-function variants in ATP2A1 are known to be pathogenic (PMID: 8841193, 10914677, 23911890). This variant is not present in population databases (gnomAD no frequency). Disruption of this splice site has been observed in individual(s) with clinical features of Brody myopathy (PMID: 37332993). It has also been observed to segregate with disease in related individuals. ClinVar contains an entry for this variant (Variation ID: 1323958). Algorithms developed to predict the effect of sequence changes on RNA splicing suggest that this variant may disrupt the consensus splice site. For these reasons, this variant has been classified as Pathogenic.

Revvity Omics, Revvity
Classification: Pathogenic for Brody myopathy. Last evaluated: 2024-08-26. Review status: criteria provided, single submitter. Criteria: ACMG Guidelines, 2015. Collection method: clinical testing. Allele origin: germline.

Department of Pathology and Laboratory Medicine, Sinai Health System
Classification: Likely pathogenic for Brody myopathy. Last evaluated: 2022-06-08. Review status: criteria provided, single submitter. Criteria: ACMG Guidelines, 2015. Collection method: research. Allele origin: germline.

Literature cited by the submitters: PubMed 16199547 (cited by Labcorp Genetics (formerly Invitae), Labcorp); PubMed 8841193 (cited by Labcorp Genetics (formerly Invitae), Labcorp); PubMed 10914677 (cited by Labcorp Genetics (formerly Invitae), Labcorp); PubMed 23911890 (cited by Labcorp Genetics (formerly Invitae), Labcorp); PubMed 37332993 (cited by Labcorp Genetics (formerly Invitae), Labcorp).